The following is an entry in ClinVar:

NM_005430.4(WNT1):c.1006A>C (p.Thr336Pro)

Gene: WNT1 (Wnt family member 1; plus strand). Cytogenetic location: 12q13.12.
Variant type: single nucleotide variant.
Coding change: c.1006A>C on transcript NM_005430.4 (MANE Select); coding-DNA position 1006, A replaced by C.
Protein change: p.Thr336Pro; replaces threonine 336 with proline.
Molecular consequence: missense variant.
Genome position (GRCh38, 1-based): chr12:48,981,533, A>C. VCF-style: chr12-48981533-A-C. GRCh37 (hg19) VCF-style: chr12-49375316-A-C.
Other names: short protein forms T336P.
Identifiers: ClinVar variation 3776661 (VCV003776661.1).

ClinVar aggregate classification (germline): Uncertain significance (1 of 4 stars; one submission).

gnomAD v4.1: 1 of 1,542,600 alleles (0.000065%); highest among the groups gnomAD compares: Admixed American, 0.002%; no homozygotes.

Submission:

GeneDx
Classification: Uncertain significance. Last evaluated: 2024-10-02. Review status: criteria provided, single submitter. Criteria: GeneDx Variant Classification Process June 2021. Collection method: clinical testing. Allele origin: germline. Affected: yes.
Comment: Not observed at significant frequency in large population cohorts (gnomAD); In silico analysis supports that this missense variant has a deleterious effect on protein structure/function; Has not been previously published as pathogenic or benign to our knowledge